The following is an entry in ClinVar:

ClinVar aggregate classification (germline): Uncertain significance. Review status: criteria provided, multiple submitters, no conflicts (2 of 4 stars). 3 submissions from 3 submitters: Uncertain significance (3). Last evaluated 2025-12-13.

gnomAD v4.1: 5 of 1,613,742 alleles (0.00031%); highest among the groups gnomAD compares: African/African-American, 0.0027%; no homozygotes.

Submissions (3):

Labcorp Genetics (formerly Invitae), Labcorp
Classification: Uncertain significance. Last evaluated: 2025-12-13. Review status: criteria provided, single submitter. Criteria: Invitae Variant Classification Sherloc (09022015). Collection method: clinical testing. Allele origin: germline.
Comment: This sequence change replaces serine, which is neutral and polar, with asparagine, which is neutral and polar, at codon 2138 of the CACNA1E protein (p.Ser2138Asn). This variant is present in population databases (no rsID available, gnomAD 0.0009%). This variant has not been reported in the literature in individuals affected with CACNA1E-related conditions. Invitae Evidence Modeling of protein sequence and biophysical properties (such as structural, functional, and spatial information, amino acid conservation, physicochemical variation, residue mobility, and thermodynamic stability) indicates that this missense variant is not expected to disrupt CACNA1E protein function with a negative predictive value of 95%. In summary, the available evidence is currently insufficient to determine the role of this variant in disease. Therefore, it has been classified as a Variant of Uncertain Significance.

Dasa
Classification: Uncertain significance. Last evaluated: 2025-10-29. Review status: criteria provided, single submitter. Criteria: DASA Assertion Criteria. Collection method: clinical testing. Allele origin: germline.
Comment: NM_001205293.3(CACNA1E):c.6542G>A (p.Ser2181Asn) is a missense variant that results in the substitution of serine with asparagine. This variant is rare in population databases. The currently available literature and clinical evidence are not sufficient to establish a definitive association between this variant and the reported condition. Therefore, this variant is classified as a variant of uncertain significance.

Blueprint Genetics
Classification: Uncertain significance. Last evaluated: 2023-07-18. Review status: criteria provided, single submitter. Criteria: ACMG Guidelines, 2015. Collection method: clinical testing. Allele origin: germline.

NM_001205293.3(CACNA1E):c.6542G>A (p.Ser2181Asn)

Gene: CACNA1E (calcium voltage-gated channel subunit alpha1 E; plus strand). Cytogenetic location: 1q25.3.
Variant type: single nucleotide variant.
Coding change: c.6542G>A on transcript NM_001205293.3 (MANE Select); coding-DNA position 6542, G replaced by A.
Protein change: p.Ser2181Asn; replaces serine 2181 with asparagine.
Molecular consequence: missense variant.
Genome position (GRCh38, 1-based): chr1:181,798,434, G>A. VCF-style: chr1-181798434-G-A. GRCh37 (hg19) VCF-style: chr1-181767570-G-A.
Other names: c.6413G>A, p.Ser2138Asn (NM_000721.4); c.6356G>A, p.Ser2119Asn (NM_001205294.2); short protein forms S2181N, S2119N, S2138N.
Identifiers: ClinVar variation 4697711 (VCV004697711.4).
Genomic context (GRCh38, chr1:181,798,434, plus strand): 5'-CCGTCCCGCCAAAGCCCCGGCCCCTCCTTTCCTACAGCTCCCTGATTCGACACGCGGGCA[G>A]CATCTCTCCACCTGCTGATGGAAGCGAGGAGGGCTCCCCGCTGACCTCCCAAGCTCTGGA-3'
Protein context (NP_001192222.1, residues 2171-2191): SYSSLIRHAG[Ser2181Asn]ISPPADGSEE